The following is an entry in ClinVar:

ClinVar aggregate classification (germline): Conflicting classifications of pathogenicity. Review status: criteria provided, conflicting classifications (1 of 4 stars). 3 submissions from 3 submitters: Uncertain significance (2); Likely benign (1). Last evaluated 2025-06-24.

Conditions:
Charcot-Marie-Tooth disease type 1C. Also called: CHARCOT-MARIE-TOOTH NEUROPATHY, TYPE 1C; NEUROPATHY, HEREDITARY MOTOR AND SENSORY, TYPE IC; Charcot-Marie-Tooth disease, type IC; CHARCOT-MARIE-TOOTH DISEASE, DEMYELINATING, TYPE 1C; CMT, SLOW NERVE CONDUCTION TYPE C; HMSN IC. Identifiers: Orphanet 101083, MedGen C0270913, MONDO:0010995, OMIM 601098.

Allele frequency attached by ClinVar (database versions not stated): TOPMed 0.00002; gnomAD exomes 0.00007 and 0.00010; gnomAD 0.00009; ExAC 0.00010.
gnomAD v4.1: 115 of 1,613,564 alleles (0.0071%); highest among the groups gnomAD compares: Non-Finnish European, 0.0031%; 1 homozygote.

Submissions (3):

Labcorp Genetics (formerly Invitae), Labcorp
Classification: Uncertain significance for Charcot-Marie-Tooth disease type 1C. Last evaluated: 2025-06-24. Review status: criteria provided, single submitter. Criteria: Invitae Variant Classification Sherloc (09022015). Collection method: clinical testing. Allele origin: germline.
Comment: This sequence change replaces asparagine, which is neutral and polar, with histidine, which is basic and polar, at codon 150 of the LITAF protein (p.Asn150His). This variant is present in population databases (rs764014476, gnomAD 0.07%), and has an allele count higher than expected for a pathogenic variant. This variant has not been reported in the literature in individuals affected with LITAF-related conditions. ClinVar contains an entry for this variant (Variation ID: 1464988). An algorithm developed to predict the effect of missense changes on protein structure and function (PolyPhen-2) suggests that this variant is likely to be disruptive. In summary, the available evidence is currently insufficient to determine the role of this variant in disease. Therefore, it has been classified as a Variant of Uncertain Significance.

GeneDx
Classification: Uncertain significance. Last evaluated: 2025-01-02. Review status: criteria provided, single submitter. Criteria: GeneDx Variant Classification Process June 2021. Collection method: clinical testing. Allele origin: germline. Affected: yes.
Comment: In silico analysis supports that this missense variant has a deleterious effect on protein structure/function; Has not been previously published as pathogenic or benign to our knowledge

Blueprint Genetics
Classification: Likely benign. Last evaluated: 2022-10-27. Review status: criteria provided, single submitter. Criteria: ACMG Guidelines, 2015. Collection method: clinical testing. Allele origin: germline.

NM_001136472.2(LITAF):c.448A>C (p.Asn150His)

Gene: LITAF (lipopolysaccharide induced TNF factor; minus strand). Cytogenetic location: 16p13.13.
Variant type: single nucleotide variant.
Coding change: c.448A>C on transcript NM_001136472.2 (MANE Select); coding-DNA position 448, A replaced by C.
Protein change: p.Asn150His; replaces asparagine 150 with histidine.
Molecular consequence: missense variant. On other transcripts: 3 prime UTR variant (1), non-coding transcript variant (1).
Genome position (GRCh38, 1-based): chr16:11,549,675, T>G on the plus strand (A>C on the coding strand, the complement: LITAF is on the minus strand). VCF-style: chr16-11549675-T-G. GRCh37 (hg19) VCF-style: chr16-11643531-T-G.
Other names: c.448A>C (NM_004862.3); c.*87A>C (NM_001136473.1); c.448A>C, p.Asn150His (NM_004862.4); short protein forms N150H.
Identifiers: ClinVar variation 1464988 (VCV001464988.10), dbSNP rs764014476, ClinGen allele CA7904017.